The following is an entry in ClinVar:

NM_001127208.3(TET2):c.5975C>G (p.Thr1992Ser)

Genes: TET2 (tet methylcytosine dioxygenase 2; plus strand), TET2-AS1 (TET2 antisense RNA 1; minus strand). Cytogenetic location: 4q24.
Variant type: single nucleotide variant.
Coding change: c.5975C>G on transcript NM_001127208.3 (MANE Select); coding-DNA position 5975, C replaced by G.
Protein change: p.Thr1992Ser; replaces threonine 1992 with serine.
Molecular consequence: missense variant.
Genome position (GRCh38, 1-based): chr4:105,276,485, C>G. VCF-style: chr4-105276485-C-G. GRCh37 (hg19) VCF-style: chr4-106197642-C-G.
Other names: short protein forms T1992S.
Identifiers: ClinVar variation 4809386 (VCV004809386.1).

ClinVar aggregate classification (germline): Uncertain significance (1 of 4 stars; one submission).

Submission:

Labcorp Genetics (formerly Invitae), Labcorp
Classification: Uncertain significance. Last evaluated: 2025-09-09. Review status: criteria provided, single submitter. Criteria: Invitae Variant Classification Sherloc (09022015). Collection method: clinical testing. Allele origin: germline.
Comment: This sequence change replaces threonine, which is neutral and polar, with serine, which is neutral and polar, at codon 1992 of the TET2 protein (p.Thr1992Ser). This variant is not present in population databases (gnomAD no frequency). This variant has not been reported in the literature in individuals affected with TET2-related conditions. An algorithm developed to predict the effect of missense changes on protein structure and function (PolyPhen-2) suggests that this variant is likely to be disruptive. In summary, the available evidence is currently insufficient to determine the role of this variant in disease. Therefore, it has been classified as a Variant of Uncertain Significance.